The following is an entry in ClinVar:

ClinVar aggregate classification (germline): Likely benign (1 of 4 stars; one submission).

Submission:

CeGaT Center for Human Genetics Tuebingen
Classification: Likely benign. Last evaluated: 2023-07-01. Review status: criteria provided, single submitter. Criteria: CeGaT Center For Human Genetics Tuebingen Variant Classification Criteria Version 2. Collection method: clinical testing. Allele origin: germline. Affected: yes. Observed: 3 variant alleles.
Comment: SLC5A4: BS2

NM_014227.3(SLC5A4):c.427del (p.Val143fs)

Genes: SLC5A4 (solute carrier family 5 member 4; minus strand), SLC5A4-AS1 (SLC5A4 antisense RNA 1; plus strand). Cytogenetic location: 22q12.3.
Variant type: Deletion.
Coding change: c.427del on transcript NM_014227.3 (MANE Select); coding-DNA position 427, one base deleted (G; older notation c.427delG).
Protein change: p.Val143fs; shifts the reading frame from valine 143.
Molecular consequence: frameshift variant.
Genome position (GRCh38, 1-based): chr22:32,247,461, C deleted on the plus strand (G on the coding strand, the reverse complement: SLC5A4 is on the minus strand); the first of 2 consecutive C bases (chr22:32,247,461-32,247,462); deleting either gives the same sequence. VCF-style (leftmost placement, unchanged base first): chr22-32247460-AC-A. GRCh37 (hg19) VCF-style: chr22-32643447-AC-A.
Other names: short protein forms V143fs.
Identifiers: ClinVar variation 2653086 (VCV002653086.24), dbSNP rs370994036, ClinGen allele CA10199646.